The following is an entry in ClinVar:

ClinVar aggregate classification (germline): Pathogenic/Likely pathogenic. Review status: criteria provided, multiple submitters, no conflicts (2 of 4 stars). 3 submissions from 3 submitters: Pathogenic (1); Likely pathogenic (2). Last evaluated 2024-08-15.

Conditions:
Finnish congenital nephrotic syndrome (NPHS1). Also called: NEPHROTIC SYNDROME, TYPE 1. Identifiers: Orphanet 839, MedGen C0403399, MONDO:0009732, OMIM 256300.

Allele frequency attached by ClinVar (database versions not stated): gnomAD exomes below 0.00001.
gnomAD v4.1: 2 of 1,614,210 alleles (0.00012%); highest among the groups gnomAD compares: South Asian, 0.0022%; no homozygotes.

Submissions (3):

Natera, Inc.
Classification: Likely pathogenic for Finnish congenital nephrotic syndrome. Last evaluated: 2024-08-15. Review status: criteria provided, single submitter. Criteria: Natera Variant Classification Schema (03/2026). Collection method: clinical testing. Allele origin: germline.
Comment: The c.3010C>T variant in NPHS1 is a nonsense variant predicted to introduce a stop codon at amino acid 1004. This variant is expected to result in nonsense mediated decay, truncation, or a dysfunctional protein product. This variant is rare in the general population with a frequency below the threshold expected for the associated phenotype(s). Given the available evidence, this variant is classified as Likely Pathogenic.

Labcorp Genetics (formerly Invitae), Labcorp
Classification: Pathogenic. Last evaluated: 2024-03-15. Review status: criteria provided, single submitter. Criteria: Invitae Variant Classification Sherloc (09022015). Collection method: clinical testing. Allele origin: germline.
Comment: This sequence change creates a premature translational stop signal (p.Gln1004*) in the NPHS1 gene. It is expected to result in an absent or disrupted protein product. Loss-of-function variants in NPHS1 are known to be pathogenic (PMID: 11317351, 11854170, 12039988). This variant is not present in population databases (gnomAD no frequency). This variant has not been reported in the literature in individuals affected with NPHS1-related conditions. Algorithms developed to predict the effect of sequence changes on RNA splicing suggest that this variant may disrupt the consensus splice site. For these reasons, this variant has been classified as Pathogenic.

Baylor Genetics
Classification: Likely pathogenic for Finnish congenital nephrotic syndrome. Last evaluated: 2023-05-29. Review status: criteria provided, single submitter. Criteria: ACMG Guidelines, 2015. Collection method: clinical testing. Allele origin: unknown.

Literature cited by the submitters: PubMed 11317351 (cited by Labcorp Genetics (formerly Invitae), Labcorp); PubMed 11854170 (cited by Labcorp Genetics (formerly Invitae), Labcorp); PubMed 12039988 (cited by Labcorp Genetics (formerly Invitae), Labcorp).

NM_004646.4(NPHS1):c.3010C>T (p.Gln1004Ter)

Gene: NPHS1 (NPHS1 adhesion molecule, nephrin; minus strand). Cytogenetic location: 19q13.12.
Variant type: single nucleotide variant.
Coding change: c.3010C>T on transcript NM_004646.4 (MANE Select); coding-DNA position 3010, C replaced by T.
Protein change: p.Gln1004Ter; replaces glutamine 1004 with a stop codon.
Molecular consequence: nonsense.
Genome position (GRCh38, 1-based): chr19:35,839,336, G>A on the plus strand (C>T on the coding strand, the complement: NPHS1 is on the minus strand). VCF-style: chr19-35839336-G-A. GRCh37 (hg19) VCF-style: chr19-36330238-G-A.
Other names: short protein forms Q1004*.
Identifiers: ClinVar variation 2677301 (VCV002677301.4), dbSNP rs2513765764, ClinGen allele CA405385129.